The following is an entry in ClinVar:

NM_014425.5(INVS):c.1943A>G (p.Asn648Ser)

Gene: INVS (inversin; plus strand). Cytogenetic location: 9q31.1.
Variant type: single nucleotide variant.
Coding change: c.1943A>G on transcript NM_014425.5 (MANE Select); coding-DNA position 1943, A replaced by G.
Protein change: p.Asn648Ser; replaces asparagine 648 with serine.
Molecular consequence: missense variant. On other transcripts: non-coding transcript variant (1).
Genome position (GRCh38, 1-based): chr9:100,284,478, A>G. VCF-style: chr9-100284478-A-G. GRCh37 (hg19) VCF-style: chr9-103046760-A-G.
Other names: c.1655A>G, p.Asn552Ser (NM_001318381.2); c.965A>G, p.Asn322Ser (NM_001318382.2); c.1943A>G (NM_014425.4); short protein forms N648S, N552S, N322S.
Identifiers: ClinVar variation 411193 (VCV000411193.21), dbSNP rs116686341, ClinGen allele CA5158513.

ClinVar aggregate classification (germline): Conflicting classifications of pathogenicity. Review status: criteria provided, conflicting classifications (1 of 4 stars). 5 submissions from 5 submitters: Uncertain significance (3); Likely benign (1). 1 of the submissions does not count toward it. Last evaluated 2025-08-20.

Conditions:
INVS-related disorder. Also called: INVS-related condition.
Nephronophthisis. Also called: Juvenile Nephronophthisis. Identifiers: Orphanet 655, MedGen C0687120, MONDO:0019005, HP:0000090.
Infantile nephronophthisis (NPHP2). Also called: Nephronophthisis 2; Nephronophthisis 2, infantile. Identifiers: Orphanet 655, Orphanet 93591, MedGen C1865872, MONDO:0011190, OMIM 602088.

Allele frequency attached by ClinVar (database versions not stated): gnomAD 0.00006 and 0.00008; gnomAD exomes 0.00007 and 0.00022; TOPMed 0.00014; ExAC 0.00016; 1000 Genomes Project 30x 0.00047; 1000 Genomes Project 0.00060.
gnomAD v4.1: 109 of 1,614,162 alleles (0.0068%); highest among the groups gnomAD compares: East Asian, 0.21%; no homozygotes.

Submissions (5):

Labcorp Genetics (formerly Invitae), Labcorp
Classification: Likely benign for Nephronophthisis. Last evaluated: 2025-08-20. Review status: criteria provided, single submitter. Criteria: Invitae Variant Classification Sherloc (09022015). Collection method: clinical testing. Allele origin: germline.

Department of Pathology and Laboratory Medicine, Sinai Health System
Classification: Uncertain significance for Infantile nephronophthisis. Last evaluated: 2022-10-18. Review status: criteria provided, single submitter. Criteria: ACMG Guidelines, 2015. Collection method: research. Allele origin: germline.

Illumina Laboratory Services, Illumina
Classification: Uncertain significance for Infantile nephronophthisis. Last evaluated: 2018-01-13. Review status: criteria provided, single submitter. Criteria: ICSL Variant Classification Criteria 13 December 2019. Collection method: clinical testing. Allele origin: germline.

Eurofins Ntd Llc (ga)
Classification: Uncertain significance. Last evaluated: 2016-09-26. Review status: criteria provided, single submitter. Criteria: EGL Classification Definitions 2015. Collection method: clinical testing. Allele origin: germline. Observed: 1 variant allele, 1 heterozygote.

PreventionGenetics, part of Exact Sciences
Classification: Uncertain significance for INVS-related condition. Last evaluated: 2024-06-10. Review status: no assertion criteria provided. Collection method: clinical testing. Allele origin: germline. Not counted in ClinVar's aggregate classification.
Comment: The INVS c.1943A>G variant is predicted to result in the amino acid substitution p.Asn648Ser. This variant was reported in an individual with juvenile nephronophthisis in compound heterozygous state with another missense variant of uncertain significance in this gene (Tang et al 2019. PubMed ID: 31131822). This variant is reported in 0.29% of alleles in individuals of East Asian descent in gnomAD. At this time, the clinical significance of this variant is uncertain due to the absence of conclusive functional and genetic evidence.